The following is an entry in ClinVar:

ClinVar aggregate classification (germline): Uncertain significance (1 of 4 stars; one submission).

Conditions:
Alagille syndrome due to a JAG1 point mutation. Also called: HEPATIC DUCTULAR HYPOPLASIA, SYNDROMATIC; Alagille Syndrome 1; JAG1-Related Alagille Syndrome. Identifiers: Orphanet 261619, Orphanet 52, MedGen C1956125, MONDO:0016862, OMIM 118450.

Allele frequency attached by ClinVar (database versions not stated): gnomAD exomes 0.00001; ExAC 0.00002.
gnomAD v4.1: 10 of 1,613,734 alleles (0.00062%); highest among the groups gnomAD compares: Admixed American, 0.0033%; no homozygotes.

Submission:

Labcorp Genetics (formerly Invitae), Labcorp
Classification: Uncertain significance for Alagille syndrome due to a JAG1 point mutation. Last evaluated: 2022-07-12. Review status: criteria provided, single submitter. Criteria: Invitae Variant Classification Sherloc (09022015). Collection method: clinical testing. Allele origin: germline.
Comment: ClinVar contains an entry for this variant (Variation ID: 1428943). This sequence change falls in intron 4 of the JAG1 gene. It does not directly change the encoded amino acid sequence of the JAG1 protein. It affects a nucleotide within the consensus splice site. This variant is present in population databases (rs769581869, gnomAD 0.006%). This variant has not been reported in the literature in individuals affected with JAG1-related conditions. Variants that disrupt the consensus splice site are a relatively common cause of aberrant splicing (PMID: 17576681, 9536098). Algorithms developed to predict the effect of sequence changes on RNA splicing suggest that this variant is not likely to affect RNA splicing. In summary, the available evidence is currently insufficient to determine the role of this variant in disease. Therefore, it has been classified as a Variant of Uncertain Significance.

Literature cited by the submitters: PubMed 17576681; PubMed 9536098.

NM_000214.3(JAG1):c.694+3A>G

Gene: JAG1 (jagged canonical Notch ligand 1; minus strand). Cytogenetic location: 20p12.2.
Variant type: single nucleotide variant.
Coding change: c.694+3A>G on transcript NM_000214.3 (MANE Select); 3 bases into the intron after coding-DNA position 694, A replaced by G.
Molecular consequence: intron variant.
Genome position (GRCh38, 1-based): chr20:10,658,465, T>C on the plus strand (A>G on the coding strand, the complement: JAG1 is on the minus strand). VCF-style: chr20-10658465-T-C. GRCh37 (hg19) VCF-style: chr20-10639113-T-C.
Identifiers: ClinVar variation 1428943 (VCV001428943.6), dbSNP rs769581869, ClinGen allele CA9765102.
Genomic context (GRCh38, chr20:10,658,465, plus strand): 5'-TGGGGTGATAAATGGACACTAAAAGCAACAGGCACACGTGCACATGCACACACACACACA[T>C]ACCTCTGTTACATTCGGGGCCCATCCAGCCTTCCATGCAAGTTTTGTTGCCATTCTGGTC-3'